The following is an entry in ClinVar:

NM_001903.5(CTNNA1):c.788C>T (p.Ala263Val)

Gene: CTNNA1 (catenin alpha 1; plus strand). Cytogenetic location: 5q31.2.
Variant type: single nucleotide variant.
Coding change: c.788C>T on transcript NM_001903.5 (MANE Select); coding-DNA position 788, C replaced by T.
Protein change: p.Ala263Val; replaces alanine 263 with valine.
Molecular consequence: missense variant.
Genome position (GRCh38, 1-based): chr5:138,824,729, C>T. VCF-style: chr5-138824729-C-T. GRCh37 (hg19) VCF-style: chr5-138160418-C-T.
Other names: c.788C>T, p.Ala263Val (NM_001290307.3, NM_001323982.2, NM_001323983.1 and 3 more transcripts); c.479C>T, p.Ala160Val (NM_001290309.3); c.419C>T, p.Ala140Val (NM_001290310.3); short protein forms A140V, A160V, A263V.
Identifiers: ClinVar variation 1024691 (VCV001024691.8), dbSNP rs772713589, ClinGen allele CA361130038.

ClinVar aggregate classification (germline): Uncertain significance (1 of 4 stars; one submission).

Allele frequency attached by ClinVar (database versions not stated): TOPMed below 0.00001.

Submission:

Labcorp Genetics (formerly Invitae), Labcorp
Classification: Uncertain significance. Last evaluated: 2025-10-27. Review status: criteria provided, single submitter. Criteria: Invitae Variant Classification Sherloc (09022015). Collection method: clinical testing. Allele origin: germline.
Comment: This sequence change replaces alanine, which is neutral and non-polar, with valine, which is neutral and non-polar, at codon 263 of the CTNNA1 protein (p.Ala263Val). This variant is not present in population databases (gnomAD no frequency). This variant has not been reported in the literature in individuals affected with CTNNA1-related conditions. ClinVar contains an entry for this variant (Variation ID: 1024691). Invitae Evidence Modeling of protein sequence and biophysical properties (such as structural, functional, and spatial information, amino acid conservation, physicochemical variation, residue mobility, and thermodynamic stability) indicates that this missense variant is not expected to disrupt CTNNA1 protein function with a negative predictive value of 80%. In summary, the available evidence is currently insufficient to determine the role of this variant in disease. Therefore, it has been classified as a Variant of Uncertain Significance.